The following is an entry in ClinVar:

ClinVar aggregate classification (germline): Uncertain significance. Review status: criteria provided, multiple submitters, no conflicts (2 of 4 stars). 2 submissions from 2 submitters: Uncertain significance (2). Last evaluated 2023-12-04.

Conditions:
Hereditary cancer-predisposing syndrome. Also called: Neoplastic Syndromes, Hereditary; Tumor predisposition; Hereditary Cancer Syndrome; Hereditary neoplastic syndrome. Identifiers: Orphanet 140162, MedGen C0027672, MeSH D009386, MONDO:0015356.

Submissions (2):

Ambry Genetics
Classification: Uncertain significance for Hereditary cancer-predisposing syndrome. Last evaluated: 2023-12-04. Review status: criteria provided, single submitter. Criteria: Ambry Variant Classification Scheme 2023. Collection method: clinical testing. Allele origin: germline.
Comment: The p.D1099G variant (also known as c.3296A>G), located in coding exon 21 of the RAD50 gene, results from an A to G substitution at nucleotide position 3296. The aspartic acid at codon 1099 is replaced by glycine, an amino acid with similar properties. This amino acid position is well conserved in available vertebrate species. In addition, this alteration is predicted to be tolerated by in silico analysis. Since supporting evidence is limited at this time, the clinical significance of this alteration remains unclear.

Labcorp Genetics (formerly Invitae), Labcorp
Classification: Uncertain significance for Hereditary cancer-predisposing syndrome. Last evaluated: 2023-01-14. Review status: criteria provided, single submitter. Criteria: Invitae Variant Classification Sherloc (09022015). Collection method: clinical testing. Allele origin: germline.
Comment: In summary, the available evidence is currently insufficient to determine the role of this variant in disease. Therefore, it has been classified as a Variant of Uncertain Significance. Advanced modeling of protein sequence and biophysical properties (such as structural, functional, and spatial information, amino acid conservation, physicochemical variation, residue mobility, and thermodynamic stability) performed at Invitae indicates that this missense variant is not expected to disrupt RAD50 protein function. ClinVar contains an entry for this variant (Variation ID: 652460). This variant has not been reported in the literature in individuals affected with RAD50-related conditions. This variant is not present in population databases (gnomAD no frequency). This sequence change replaces aspartic acid, which is acidic and polar, with glycine, which is neutral and non-polar, at codon 1099 of the RAD50 protein (p.Asp1099Gly).

NM_005732.4(RAD50):c.3296A>G (p.Asp1099Gly)

Gene: RAD50 (RAD50 double strand break repair protein; plus strand). Cytogenetic location: 5q31.1.
Variant type: single nucleotide variant.
Coding change: c.3296A>G on transcript NM_005732.4 (MANE Select); coding-DNA position 3296, A replaced by G.
Protein change: p.Asp1099Gly; replaces aspartic acid 1099 with glycine.
Molecular consequence: missense variant.
Genome position (GRCh38, 1-based): chr5:132,618,201, A>G. VCF-style: chr5-132618201-A-G. GRCh37 (hg19) VCF-style: chr5-131953893-A-G.
Other names: short protein forms D1099G.
Identifiers: ClinVar variation 652460 (VCV000652460.13), dbSNP rs1581009500, ClinGen allele CA360964744.
Genomic context (GRCh38, chr5:132,618,201, plus strand): 5'-AAGGTTATGAAGAAGAAATTATTCATTTTAAGAAAGAACTTCGAGAACCACAATTTCGGG[A>G]TGCTGAGGAAAAGTATAGAGAAATGATGATTGTTATGAGGACAACAGAACTTGTGAACAA-3'
Protein context (NP_005723.2, residues 1089-1109): KKELREPQFR[Asp1099Gly]AEEKYREMMI